The following is an entry in ClinVar:

ClinVar aggregate classification (germline): Uncertain significance. Review status: criteria provided, multiple submitters, no conflicts (2 of 4 stars). 3 submissions from 3 submitters: Uncertain significance (2). 1 of the submissions does not count toward it. Last evaluated 2025-04-08.

Conditions:
IL17RD-related disorder. Also called: IL17RD-related condition.

Allele frequency attached by ClinVar (database versions not stated): gnomAD 0.00007; gnomAD exomes 0.00007; TOPMed 0.00007; ExAC 0.00010; 1000 Genomes Project 30x 0.00016; 1000 Genomes Project 0.00020.
gnomAD v4.1: 114 of 1,613,412 alleles (0.0071%); highest among the groups gnomAD compares: Middle Eastern, 0.083%; no homozygotes.

Submissions (3):

Ambry Genetics
Classification: Uncertain significance. Last evaluated: 2025-04-08. Review status: criteria provided, single submitter. Criteria: Ambry Variant Classification Scheme 2023. Collection method: clinical testing. Allele origin: germline.

Labcorp Genetics (formerly Invitae), Labcorp
Classification: Uncertain significance. Last evaluated: 2024-10-13. Review status: criteria provided, single submitter. Criteria: Invitae Variant Classification Sherloc (09022015). Collection method: clinical testing. Allele origin: germline.
Comment: This sequence change replaces arginine, which is basic and polar, with glutamine, which is neutral and polar, at codon 355 of the IL17RD protein (p.Arg355Gln). This variant is present in population databases (rs558790313, gnomAD 0.1%), and has an allele count higher than expected for a pathogenic variant. This missense change has been observed in individual(s) with nonobstructive azoospermia (PMID: 36259570). ClinVar contains an entry for this variant (Variation ID: 2356448). Invitae Evidence Modeling of protein sequence and biophysical properties (such as structural, functional, and spatial information, amino acid conservation, physicochemical variation, residue mobility, and thermodynamic stability) indicates that this missense variant is not expected to disrupt IL17RD protein function with a negative predictive value of 80%. In summary, the available evidence is currently insufficient to determine the role of this variant in disease. Therefore, it has been classified as a Variant of Uncertain Significance.

PreventionGenetics, part of Exact Sciences
Classification: Uncertain significance for IL17RD-related condition. Last evaluated: 2024-09-23. Review status: no assertion criteria provided. Collection method: clinical testing. Allele origin: germline. Not counted in ClinVar's aggregate classification.
Comment: The IL17RD c.1064G>A variant is predicted to result in the amino acid substitution p.Arg355Gln. This variant has been reported in a cohort diagnosed with non-obstructive azoospermia (Liu et al. 2023. PubMed ID: 36259570). This variant is reported in 0.090% of alleles in individuals of East Asian descent in gnomAD. At this time, the clinical significance of this variant is uncertain due to the absence of conclusive functional and genetic evidence.

Literature cited by the submitters: PubMed 36259570 (cited by Labcorp Genetics (formerly Invitae), Labcorp).

NM_017563.5(IL17RD):c.1064G>A (p.Arg355Gln)

Gene: IL17RD (interleukin 17 receptor D; minus strand). Cytogenetic location: 3p14.3.
Variant type: single nucleotide variant.
Coding change: c.1064G>A on transcript NM_017563.5 (MANE Select); coding-DNA position 1064, G replaced by A.
Protein change: p.Arg355Gln; replaces arginine 355 with glutamine.
Molecular consequence: missense variant.
Genome position (GRCh38, 1-based): chr3:57,101,279, C>T on the plus strand (G>A on the coding strand, the complement: IL17RD is on the minus strand). VCF-style: chr3-57101279-C-T. GRCh37 (hg19) VCF-style: chr3-57135307-C-T.
Other names: c.1064G>A, p.Arg355Gln (NM_001080973.1); c.632G>A, p.Arg211Gln (NM_001318864.2); c.1064G>A (NM_017563.4); short protein forms R211Q, R355Q.
Identifiers: ClinVar variation 2356448 (VCV002356448.6), dbSNP rs558790313, ClinGen allele CA2462826.